The following is an entry in ClinVar:

ClinVar aggregate classification (germline): Pathogenic (1 of 4 stars; one submission).

Conditions:
Lynch syndrome 5 (LYNCH5). Also called: Colorectal cancer, hereditary nonpolyposis, type 5; Hereditary non-polyposis colorectal cancer, type 5. Identifiers: Orphanet 144, MedGen C1833477, MONDO:0013710, OMIM 614350. Disease mechanism: loss of function.

Submission:

Myriad Genetics, Inc.
Classification: Pathogenic for Lynch syndrome 5. Last evaluated: 2023-08-28. Review status: criteria provided, single submitter. Criteria: Myriad Autosomal Dominant, Autosomal Recessive and X-Linked Classification Criteria (2023). Collection method: clinical testing. Allele origin: unknown.
Comment: This variant is considered pathogenic. This variant creates a frameshift predicted to result in premature protein truncation.

NM_000179.3(MSH6):c.3937_3938del (p.Ile1313fs)

Gene: MSH6 (mutS homolog 6; plus strand). Cytogenetic location: 2p16.3.
Variant type: Deletion.
Coding change: c.3937_3938del on transcript NM_000179.3 (MANE Select); coding-DNA positions 3937 to 3938, 2 bases deleted (AT; older notation c.3937_3938delAT).
Protein change: p.Ile1313fs; shifts the reading frame from isoleucine 1313.
Molecular consequence: frameshift variant. On other transcripts: non-coding transcript variant (5), intron variant (1).
Genome position (GRCh38, 1-based): chr2:47,806,587-47,806,588, AT deleted; deleting any 2 consecutive bases within chr2:47,806,586-47,806,588 gives the same sequence; the c. name uses the placement nearest the transcript's 3' end. VCF-style (leftmost placement, unchanged base first): chr2-47806585-TTA-T. GRCh37 (hg19) VCF-style: chr2-48033724-TTA-T.
Other names: c.3547_3548del, p.Ile1183fs (NM_001281492.2); c.3031_3032del, p.Ile1011fs (NM_001281493.2, NM_001281494.2, NM_001406811.1 and 6 more transcripts); c.4033_4034del, p.Ile1345fs (NM_001406795.1); c.3937_3938del, p.Ile1313fs (NM_001406796.1, NM_001406808.1, NM_001406809.1); c.3640_3641del, p.Ile1214fs (NM_001406797.1, NM_001406801.1, NM_001406805.1 and 10 more transcripts); c.3763_3764del, p.Ile1255fs (NM_001406798.1); c.3412_3413del, p.Ile1138fs (NM_001406799.1, NM_001406806.1, NM_001406807.1); c.3924_3925del, p.Leu1308fs (NM_001406800.1); and 9 more; short protein forms I1011fs, I1025fs, I1138fs, I1183fs, I1214fs, I1255fs, I1257fs, I1287fs.
Identifiers: ClinVar variation 2673618 (VCV002673618.1), dbSNP rs2530872244, ClinGen allele CA2695200519.